The following is an entry in ClinVar:

NM_001918.5(DBT):c.781A>G (p.Lys261Glu)

Gene: DBT (dihydrolipoamide branched chain transacylase E2; minus strand). Cytogenetic location: 1p21.2.
Variant type: single nucleotide variant.
Coding change: c.781A>G on transcript NM_001918.5 (MANE Select); coding-DNA position 781, A replaced by G.
Protein change: p.Lys261Glu; replaces lysine 261 with glutamic acid.
Molecular consequence: missense variant.
Genome position (GRCh38, 1-based): chr1:100,214,975, T>C on the plus strand (A>G on the coding strand, the complement: DBT is on the minus strand). VCF-style: chr1-100214975-T-C. GRCh37 (hg19) VCF-style: chr1-100680531-T-C.
Other names: short protein forms K261E.
Identifiers: ClinVar variation 1422720 (VCV001422720.3), dbSNP rs926492799, ClinGen allele CA27590295.

ClinVar aggregate classification (germline): Uncertain significance (1 of 4 stars; one submission).

Conditions:
Maple syrup urine disease (MSUD). Identifiers: Orphanet 511, MedGen C0024776, MeSH D008375, MONDO:0009563. Disease mechanism: loss of function.

Allele frequency attached by ClinVar (database versions not stated): gnomAD exomes below 0.00001 and 0.00001; gnomAD 0.00001; TOPMed 0.00002.
gnomAD v4.1: 21 of 1,608,442 alleles (0.0013%); highest among the groups gnomAD compares: Non-Finnish European, 0.0017%; no homozygotes.

Submission:

Labcorp Genetics (formerly Invitae), Labcorp
Classification: Uncertain significance for Maple syrup urine disease. Last evaluated: 2022-01-19. Review status: criteria provided, single submitter. Criteria: Invitae Variant Classification Sherloc (09022015). Collection method: clinical testing. Allele origin: germline.
Comment: This sequence change replaces lysine, which is basic and polar, with glutamic acid, which is acidic and polar, at codon 261 of the DBT protein (p.Lys261Glu). This variant is present in population databases (no rsID available, gnomAD 0.0009%). This variant has not been reported in the literature in individuals affected with DBT-related conditions. Algorithms developed to predict the effect of missense changes on protein structure and function are either unavailable or do not agree on the potential impact of this missense change (SIFT: "Deleterious"; PolyPhen-2: "Possibly Damaging"; Align-GVGD: "Class C0"). In summary, the available evidence is currently insufficient to determine the role of this variant in disease. Therefore, it has been classified as a Variant of Uncertain Significance.